The following is an entry in ClinVar:

ClinVar aggregate classification (germline): Uncertain significance. Review status: criteria provided, multiple submitters, no conflicts (2 of 4 stars). 2 submissions from 2 submitters: Uncertain significance (2). Last evaluated 2022-08-08.

Allele frequency attached by ClinVar (database versions not stated): gnomAD exomes 0.00001 and 0.00004; TOPMed 0.00002; ExAC 0.00003; gnomAD 0.00003; ESP Exome Variant Server 0.00008.
gnomAD v4.1: 17 of 1,608,938 alleles (0.0011%); highest among the groups gnomAD compares: Admixed American, 0.0067%; no homozygotes.

Submissions (2):

Labcorp Genetics (formerly Invitae), Labcorp
Classification: Uncertain significance. Last evaluated: 2022-08-08. Review status: criteria provided, single submitter. Criteria: Invitae Variant Classification Sherloc (09022015). Collection method: clinical testing. Allele origin: germline.
Comment: In summary, the available evidence is currently insufficient to determine the role of this variant in disease. Therefore, it has been classified as a Variant of Uncertain Significance. Algorithms developed to predict the effect of missense changes on protein structure and function (SIFT, PolyPhen-2, Align-GVGD) all suggest that this variant is likely to be tolerated. ClinVar contains an entry for this variant (Variation ID: 806102). This variant has not been reported in the literature in individuals affected with SLC9A1-related conditions. The frequency data for this variant in the population databases is considered unreliable, as metrics indicate poor data quality at this position in the gnomAD database. This sequence change replaces proline, which is neutral and non-polar, with leucine, which is neutral and non-polar, at codon 710 of the SLC9A1 protein (p.Pro710Leu).

CeGaT Center for Human Genetics Tuebingen
Classification: Uncertain significance. Last evaluated: 2018-02-01. Review status: criteria provided, single submitter. Criteria: CeGaT Center For Human Genetics Tuebingen Variant Classification Criteria Version 2. Collection method: clinical testing. Allele origin: germline. Affected: yes. Observed: 1 variant allele.

NM_003047.5(SLC9A1):c.2129C>T (p.Pro710Leu)

Gene: SLC9A1 (solute carrier family 9 member A1; minus strand). Cytogenetic location: 1p36.11.
Variant type: single nucleotide variant.
Coding change: c.2129C>T on transcript NM_003047.5 (MANE Select); coding-DNA position 2129, C replaced by T.
Protein change: p.Pro710Leu; replaces proline 710 with leucine.
Molecular consequence: missense variant. On other transcripts: non-coding transcript variant (1).
Genome position (GRCh38, 1-based): chr1:27,100,626, G>A on the plus strand (C>T on the coding strand, the complement: SLC9A1 is on the minus strand). VCF-style: chr1-27100626-G-A. GRCh37 (hg19) VCF-style: chr1-27427117-G-A.
Other names: short protein forms P710L.
Identifiers: ClinVar variation 806102 (VCV000806102.46), dbSNP rs142887458, ClinGen allele CA710860.